The following is an entry in ClinVar:

ClinVar aggregate classification (germline): Uncertain significance (1 of 4 stars; one submission).

Conditions:
Encephalopathy, acute, infection-induced (herpes-specific), susceptibility to, 1. Also called: Herpes simplex encephalitis, susceptibility to, 1. Identifiers: Orphanet 1930, MedGen C2750180, MONDO:0024563, OMIM 610551.

gnomAD v4.1: 1 of 1,613,908 alleles (0.000062%); highest among the groups gnomAD compares: Non-Finnish European, 0.000085%; no homozygotes.

Submission:

Labcorp Genetics (formerly Invitae), Labcorp
Classification: Uncertain significance for Encephalopathy, acute, infection-induced (herpes-specific), susceptibility to, 1. Last evaluated: 2025-04-30. Review status: criteria provided, single submitter. Criteria: Invitae Variant Classification Sherloc (09022015). Collection method: clinical testing. Allele origin: germline.
Comment: This sequence change replaces glutamine, which is neutral and polar, with histidine, which is basic and polar, at codon 232 of the TLR3 protein (p.Gln232His). This variant is not present in population databases (gnomAD no frequency). This variant has not been reported in the literature in individuals affected with TLR3-related conditions. An algorithm developed to predict the effect of missense changes on protein structure and function (PolyPhen-2) suggests that this variant is likely to be tolerated. In summary, the available evidence is currently insufficient to determine the role of this variant in disease. Therefore, it has been classified as a Variant of Uncertain Significance.

NM_003265.3(TLR3):c.696G>T (p.Gln232His)

Gene: TLR3 (toll like receptor 3; plus strand). Cytogenetic location: 4q35.1.
Variant type: single nucleotide variant.
Coding change: c.696G>T on transcript NM_003265.3 (MANE Select); coding-DNA position 696, G replaced by T.
Protein change: p.Gln232His; replaces glutamine 232 with histidine.
Molecular consequence: missense variant.
Genome position (GRCh38, 1-based): chr4:186,082,382, G>T. VCF-style: chr4-186082382-G-T. GRCh37 (hg19) VCF-style: chr4-187003536-G-T.
Other names: short protein forms Q232H.
Identifiers: ClinVar variation 4763769 (VCV004763769.1).